The following is an entry in ClinVar:

ClinVar aggregate classification (germline): Pathogenic (1 of 4 stars; one submission).

Conditions:
Congenital adrenal hyperplasia due to cytochrome P450 oxidoreductase deficiency. Also called: DISORDERED STEROIDOGENESIS DUE TO POR DEFICIENCY. Identifiers: Orphanet 95699, MedGen C1860042, MONDO:0013310, OMIM 613571.

gnomAD v4.1: 1 of 1,594,288 alleles (0.000063%); highest among the groups gnomAD compares: Non-Finnish European, 0.000085%; no homozygotes.

Submission:

Labcorp Genetics (formerly Invitae), Labcorp
Classification: Pathogenic for Congenital adrenal hyperplasia due to cytochrome P450 oxidoreductase deficiency. Last evaluated: 2023-12-12. Review status: criteria provided, single submitter. Criteria: Invitae Variant Classification Sherloc (09022015). Collection method: clinical testing. Allele origin: germline.
Comment: This sequence change creates a premature translational stop signal (p.Glu501*) in the POR gene. It is expected to result in an absent or disrupted protein product. Loss-of-function variants in POR are known to be pathogenic (PMID: 14758361, 20732302, 21741353). This variant is not present in population databases (gnomAD no frequency). This variant has not been reported in the literature in individuals affected with POR-related conditions. For these reasons, this variant has been classified as Pathogenic.

Literature cited by the submitters: PubMed 14758361; PubMed 20732302; PubMed 21741353.

NM_001395413.1(POR):c.1492G>T (p.Glu498Ter)

Gene: POR (cytochrome p450 oxidoreductase; plus strand). Cytogenetic location: 7q11.23.
Variant type: single nucleotide variant.
Coding change: c.1492G>T on transcript NM_001395413.1 (MANE Select); coding-DNA position 1492, G replaced by T.
Protein change: p.Glu498Ter; replaces glutamic acid 498 with a stop codon.
Molecular consequence: nonsense.
Genome position (GRCh38, 1-based): chr7:75,985,681, G>T. VCF-style: chr7-75985681-G-T. GRCh37 (hg19) VCF-style: chr7-75614999-G-T.
Other names: c.1501G>T, p.Glu501Ter (NM_000941.2, NM_000941.3); c.1492G>T, p.Glu498Ter (NM_001367562.3, NM_001382657.2, NM_001382658.3 and 1 more transcripts); c.1546G>T, p.Glu516Ter (NM_001382655.3); c.1342G>T, p.Glu448Ter (NM_001382662.3); short protein forms E516*, E448*, E498*, E501*.
Identifiers: ClinVar variation 2818264 (VCV002818264.3), dbSNP rs782697310, ClinGen allele CA367750089.